The following is an entry in ClinVar:

NM_000765.5(CYP3A7):c.866-1G>T

Genes: CYP3A7 (cytochrome P450 family 3 subfamily A member 7; minus strand), CYP3A7-CYP3A51P (CYP3A7-CYP3A51P readthrough; minus strand), ZSCAN25 (zinc finger and SCAN domain containing 25; plus strand). Cytogenetic location: 7q22.1.
Variant type: single nucleotide variant.
Coding change: c.866-1G>T on transcript NM_000765.5 (MANE Select); the canonical splice acceptor site of the intron before coding-DNA position 866, G replaced by T.
Molecular consequence: splice acceptor variant.
Genome position (GRCh38, 1-based): chr7:99,710,893, C>A on the plus strand (G>T on the coding strand, the complement: CYP3A7 is on the minus strand). VCF-style: chr7-99710893-C-A. GRCh37 (hg19) VCF-style: chr7-99308516-C-A.
Other names: c.866-1G>T (NM_001256497.3).
Identifiers: ClinVar variation 3772144 (VCV003772144.13).
Genomic context (GRCh38, chr7:99,710,893, plus strand): 5'-TTTCATAGCCAGCAAAAATAAAGATAATTGATTGGGCCATGAGCTCCAGATCAGACAGAG[C>A]TGAAAGGAGAGAAAAGACATTTTAGGTAAATCAGGTCAATGTAGGGCATCACAGTTTAGA-3'

ClinVar aggregate classification (germline): Uncertain significance (1 of 4 stars; one submission).

Submission:

CeGaT Center for Human Genetics Tuebingen
Classification: Uncertain significance. Last evaluated: 2024-12-01. Review status: criteria provided, single submitter. Criteria: CeGaT Center For Human Genetics Tuebingen Variant Classification Criteria Version 2. Collection method: clinical testing. Allele origin: germline. Affected: yes. Observed: 1 variant allele.
Comment: CYP3A7: PM2, PP3